The following is an entry in ClinVar:

ClinVar aggregate classification (germline): Uncertain significance (1 of 4 stars; one submission).

Conditions:
Familial cancer of breast. Also called: Hereditary breast cancer; BREAST CANCER, FAMILIAL; hereditary breast carcinoma. Identifiers: Orphanet 227535, MedGen C0346153, MONDO:0016419, OMIM 114480. Disease mechanism: loss of function.

Allele frequency attached by ClinVar (database versions not stated): gnomAD exomes below 0.00001; gnomAD 0.00001.
gnomAD v4.1: 4 of 1,525,056 alleles (0.00026%); highest among the groups gnomAD compares: Admixed American, 0.0056%; no homozygotes.

Submission:

Laboratorio de Genetica e Diagnostico Molecular, Hospital Israelita Albert Einstein
Classification: Uncertain significance for Familial cancer of breast. Last evaluated: 2022-07-05. Review status: criteria provided, single submitter. Criteria: ACMG Guidelines, 2015. Collection method: clinical testing. Allele origin: germline. Affected: yes. Observed: 1 variant allele.
Comment: ACMG classification criteria: PM2 moderated, BP4 supporting

NM_001142556.2(HMMR):c.1962+7A>G

Genes: HMMR-AS1 (HMMR antisense RNA 1; minus strand), HMMR (hyaluronan mediated motility receptor; plus strand). Cytogenetic location: 5q34.
Variant type: single nucleotide variant.
Coding change: c.1962+7A>G on transcript NM_001142556.2 (MANE Select); 7 bases into the intron after coding-DNA position 1962, A replaced by G.
Molecular consequence: intron variant.
Genome position (GRCh38, 1-based): chr5:163,484,252, A>G. VCF-style: chr5-163484252-A-G. GRCh37 (hg19) VCF-style: chr5-162911258-A-G.
Other names: c.1959+7A>G (NM_012484.3); c.1914+7A>G (NM_012485.3); c.1701+7A>G (NM_001142557.2).
Identifiers: ClinVar variation 2431655 (VCV002431655.1), dbSNP rs1452732844, ClinGen allele CA564437140.
Genomic context (GRCh38, chr5:163,484,252, plus strand): 5'-CAAAAAATCAAGCATGTTGTGAAGTTGAAAGATGAAAATAGCCAACTCAAATCGGTTTGT[A>G]AAATGACTTTTCATTTTATTAAAGATATTGGAGTGGGGGTTATTCTAACTATAATACTTA-3'